The following is an entry in ClinVar:

NM_024675.4(PALB2):c.1634A>G (p.Glu545Gly)

Gene: PALB2 (partner and localizer of BRCA2; minus strand). Cytogenetic location: 16p12.2.
Variant type: single nucleotide variant.
Coding change: c.1634A>G on transcript NM_024675.4 (MANE Select); coding-DNA position 1634, A replaced by G.
Protein change: p.Glu545Gly; replaces glutamic acid 545 with glycine.
Molecular consequence: missense variant.
Genome position (GRCh38, 1-based): chr16:23,634,912, T>C on the plus strand (A>G on the coding strand, the complement: PALB2 is on the minus strand). VCF-style: chr16-23634912-T-C. GRCh37 (hg19) VCF-style: chr16-23646233-T-C.
Other names: short protein forms E545G.
Identifiers: ClinVar variation 481043 (VCV000481043.5), dbSNP rs1555461186, ClinGen allele CA395130231.
Genomic context (GRCh38, chr16:23,634,912, plus strand): 5'-CTTGATTTACCTTTCACTTGAATAAATAATTTTTCGTGCTGATATTTGTGTGAGGTGACT[T>C]CTTCCTTGGACCTGTTAACAATCGACAGGCTAGAAGTTGGCAAAAGTGGTTCACAATGAT-3'
Protein context (NP_078951.2, residues 535-555): SLSIVNRSKE[Glu545Gly]VTSHKYQHEK

ClinVar aggregate classification (germline): Uncertain significance (1 of 4 stars; one submission).

Conditions:
Hereditary cancer-predisposing syndrome. Also called: Hereditary Cancer Syndrome; Neoplastic Syndromes, Hereditary; Tumor predisposition; Hereditary neoplastic syndrome. Identifiers: Orphanet 140162, MedGen C0027672, MeSH D009386, MONDO:0015356.

Submission:

Ambry Genetics
Classification: Uncertain significance for Hereditary cancer-predisposing syndrome. Last evaluated: 2017-09-06. Review status: criteria provided, single submitter. Criteria: Ambry Variant Classification Scheme 2023. Collection method: clinical testing. Allele origin: germline.
Comment: The p.E545G variant (also known as c.1634A>G), located in coding exon 4 of the PALB2 gene, results from an A to G substitution at nucleotide position 1634. The glutamic acid at codon 545 is replaced by glycine, an amino acid with similar properties. This amino acid position is not well conserved in available vertebrate species. In addition, this alteration is predicted to be tolerated by in silico analysis. Since supporting evidence is limited at this time, the clinical significance of this alteration remains unclear.